The following is an entry in ClinVar:

NM_018706.7(DHTKD1):c.908G>T (p.Gly303Val)

Gene: DHTKD1 (dehydrogenase E1 and transketolase domain containing 1; plus strand). Cytogenetic location: 10p14.
Variant type: single nucleotide variant.
Coding change: c.908G>T on transcript NM_018706.7 (MANE Select); coding-DNA position 908, G replaced by T.
Protein change: p.Gly303Val; replaces glycine 303 with valine.
Molecular consequence: missense variant.
Genome position (GRCh38, 1-based): chr10:12,089,176, G>T. VCF-style: chr10-12089176-G-T. GRCh37 (hg19) VCF-style: chr10-12131175-G-T.
Other names: c.908G>T (NM_018706.5); short protein forms G303V.
Identifiers: ClinVar variation 2955974 (VCV002955974.4), dbSNP rs2491477230, ClinGen allele CA376018756.

ClinVar aggregate classification (germline): Uncertain significance. Review status: criteria provided, multiple submitters, no conflicts (2 of 4 stars). 2 submissions from 2 submitters: Uncertain significance (2). Last evaluated 2025-06-30.

Conditions:
Inborn genetic diseases. Identifiers: MedGen C0950123, MeSH D030342.
2-aminoadipic 2-oxoadipic aciduria (AAKAD). Also called: Aminoadipic aciduria; ALPHA-AMINOADIPIC AND ALPHA-KETOADIPIC ACIDURIA. Identifiers: Orphanet 79154, MedGen C1859817, MONDO:0008774, OMIM 204750.

Allele frequency attached by ClinVar (database versions not stated): gnomAD exomes below 0.00001.
gnomAD v4.1: 1 of 1,614,176 alleles (0.000062%); highest among the groups gnomAD compares: Non-Finnish European, 0.000085%; no homozygotes.

Submissions (2):

Ambry Genetics
Classification: Uncertain significance for Inborn genetic diseases. Last evaluated: 2025-06-30. Review status: criteria provided, single submitter. Criteria: Ambry Variant Classification Scheme 2023. Collection method: clinical testing. Allele origin: germline.

Labcorp Genetics (formerly Invitae), Labcorp
Classification: Uncertain significance for 2-aminoadipic 2-oxoadipic aciduria. Last evaluated: 2024-06-12. Review status: criteria provided, single submitter. Criteria: Invitae Variant Classification Sherloc (09022015). Collection method: clinical testing. Allele origin: germline.
Comment: This sequence change replaces glycine, which is neutral and non-polar, with valine, which is neutral and non-polar, at codon 303 of the DHTKD1 protein (p.Gly303Val). This variant is not present in population databases (gnomAD no frequency). This variant has not been reported in the literature in individuals affected with DHTKD1-related conditions. Advanced modeling of protein sequence and biophysical properties (such as structural, functional, and spatial information, amino acid conservation, physicochemical variation, residue mobility, and thermodynamic stability) has been performed at Invitae for this missense variant, however the output from this modeling did not meet the statistical confidence thresholds required to predict the impact of this variant on DHTKD1 protein function. In summary, the available evidence is currently insufficient to determine the role of this variant in disease. Therefore, it has been classified as a Variant of Uncertain Significance.